The following is an entry in ClinVar:

NM_001375524.1(TRRAP):c.1117C>T (p.Pro373Ser)

Gene: TRRAP (transformation/transcription domain associated protein; plus strand). Cytogenetic location: 7q22.1.
Variant type: single nucleotide variant.
Coding change: c.1117C>T on transcript NM_001375524.1 (MANE Select); coding-DNA position 1117, C replaced by T.
Protein change: p.Pro373Ser; replaces proline 373 with serine.
Molecular consequence: missense variant.
Genome position (GRCh38, 1-based): chr7:98,908,729, C>T. VCF-style: chr7-98908729-C-T. GRCh37 (hg19) VCF-style: chr7-98506352-C-T.
Other names: c.1117C>T, p.Pro373Ser (NM_001244580.2, NM_003496.4); short protein forms P373S.
Identifiers: ClinVar variation 3691244 (VCV003691244.2).

ClinVar aggregate classification (germline): Uncertain significance (1 of 4 stars; one submission).

Submission:

Labcorp Genetics (formerly Invitae), Labcorp
Classification: Uncertain significance. Last evaluated: 2024-12-12. Review status: criteria provided, single submitter. Criteria: Invitae Variant Classification Sherloc (09022015). Collection method: clinical testing. Allele origin: germline.
Comment: This sequence change replaces proline, which is neutral and non-polar, with serine, which is neutral and polar, at codon 373 of the TRRAP protein (p.Pro373Ser). This variant is not present in population databases (gnomAD no frequency). This variant has not been reported in the literature in individuals affected with TRRAP-related conditions. An algorithm developed to predict the effect of missense changes on protein structure and function (PolyPhen-2) suggests that this variant is likely to be tolerated. In summary, the available evidence is currently insufficient to determine the role of this variant in disease. Therefore, it has been classified as a Variant of Uncertain Significance.